The following is an entry in ClinVar:

ClinVar aggregate classification (germline): Uncertain significance (1 of 4 stars; one submission).

Conditions:
Majeed syndrome (MJDS). Also called: CHRONIC RECURRENT MULTIFOCAL OSTEOMYELITIS 1, WITH CONGENITAL DYSERYTHROPOIETIC ANEMIA, WITH OR WITHOUT NEUTROPHILIC DERMATOSIS; LPIN2-Related Majeed Syndrome. Identifiers: Orphanet 77297, MedGen C1864997, MONDO:0012316, OMIM 609628.

Allele frequency attached by ClinVar (database versions not stated): gnomAD exomes below 0.00001 and 0.00001; ExAC 0.00001; gnomAD 0.00002; TOPMed 0.00002.
gnomAD v4.1: 20 of 1,613,932 alleles (0.0012%); highest among the groups gnomAD compares: African/African-American, 0.004%; no homozygotes.

Submission:

Labcorp Genetics (formerly Invitae), Labcorp
Classification: Uncertain significance for Majeed syndrome. Last evaluated: 2024-01-05. Review status: criteria provided, single submitter. Criteria: Invitae Variant Classification Sherloc (09022015). Collection method: clinical testing. Allele origin: germline.
Comment: This sequence change replaces valine, which is neutral and non-polar, with isoleucine, which is neutral and non-polar, at codon 36 of the LPIN2 protein (p.Val36Ile). This variant is present in population databases (rs774019375, gnomAD 0.007%). This variant has not been reported in the literature in individuals affected with LPIN2-related conditions. ClinVar contains an entry for this variant (Variation ID: 649769). Advanced modeling of protein sequence and biophysical properties (such as structural, functional, and spatial information, amino acid conservation, physicochemical variation, residue mobility, and thermodynamic stability) performed at Invitae indicates that this missense variant is not expected to disrupt LPIN2 protein function with a negative predictive value of 80%. In summary, the available evidence is currently insufficient to determine the role of this variant in disease. Therefore, it has been classified as a Variant of Uncertain Significance.

NM_001375808.2(LPIN2):c.106G>A (p.Val36Ile)

Gene: LPIN2 (lipin 2; minus strand). Cytogenetic location: 18p11.31.
Variant type: single nucleotide variant.
Coding change: c.106G>A on transcript NM_001375808.2 (MANE Select); coding-DNA position 106, G replaced by A.
Protein change: p.Val36Ile; replaces valine 36 with isoleucine.
Molecular consequence: missense variant.
Genome position (GRCh38, 1-based): chr18:2,960,735, C>T on the plus strand (G>A on the coding strand, the complement: LPIN2 is on the minus strand). VCF-style: chr18-2960735-C-T. GRCh37 (hg19) VCF-style: chr18-2960733-C-T.
Other names: c.106G>A, p.Val36Ile (NM_001375809.1, NM_014646.2); short protein forms V36I.
Identifiers: ClinVar variation 649769 (VCV000649769.10), dbSNP rs774019375, ClinGen allele CA8873644.